The following is an entry in ClinVar:

ClinVar aggregate classification (germline): Conflicting classifications of pathogenicity. Review status: criteria provided, conflicting classifications (1 of 4 stars). 2 submissions from 2 submitters: Uncertain significance (1); Likely benign (1). Last evaluated 2025-06-24.

gnomAD v4.1: 6 of 1,612,346 alleles (0.00037%); no homozygotes.

Submissions (2):

GeneDx
Classification: Uncertain significance. Last evaluated: 2025-06-24. Review status: criteria provided, single submitter. Criteria: GeneDx Variant Classification Process June 2021. Collection method: clinical testing. Allele origin: germline. Affected: yes.
Comment: Not observed at significant frequency in large population cohorts (gnomAD); In silico analysis supports that this missense variant has a deleterious effect on protein structure/function; Has not been previously published as pathogenic or benign to our knowledge

Labcorp Genetics (formerly Invitae), Labcorp
Classification: Likely benign. Last evaluated: 2024-12-31. Review status: criteria provided, single submitter. Criteria: Invitae Variant Classification Sherloc (09022015). Collection method: clinical testing. Allele origin: germline.

NM_080680.3(COL11A2):c.4661T>A (p.Ile1554Asn)

Gene: COL11A2 (collagen type XI alpha 2 chain; minus strand). Cytogenetic location: 6p21.32.
Variant type: single nucleotide variant.
Coding change: c.4661T>A on transcript NM_080680.3 (MANE Select); coding-DNA position 4661, T replaced by A.
Protein change: p.Ile1554Asn; replaces isoleucine 1554 with asparagine.
Molecular consequence: missense variant.
Genome position (GRCh38, 1-based): chr6:33,165,638, A>T on the plus strand (T>A on the coding strand, the complement: COL11A2 is on the minus strand). VCF-style: chr6-33165638-A-T. GRCh37 (hg19) VCF-style: chr6-33133415-A-T.
Other names: c.4661T>A (NM_080680.2); c.4481T>A, p.Ile1494Asn (NM_001424108.1); c.3815T>A, p.Ile1272Asn (NM_001424109.1); c.3635T>A, p.Ile1212Asn (NM_001424110.1, NM_001424111.1); c.2615T>A, p.Ile872Asn (NM_001424112.1); c.4340T>A, p.Ile1447Asn (NM_080679.3); c.4403T>A, p.Ile1468Asn (NM_080681.3); short protein forms I1468N, I1212N, I872N, I1272N, I1447N, I1494N, I1554N.
Identifiers: ClinVar variation 3683605 (VCV003683605.3).